The following is an entry in ClinVar:

ClinVar aggregate classification (germline): Uncertain significance. Review status: criteria provided, multiple submitters, no conflicts (2 of 4 stars). 2 submissions from 2 submitters: Uncertain significance (2). Last evaluated 2025-01-24.

Conditions:
Hereditary nonpolyposis colorectal neoplasms. Identifiers: MedGen C0009405, MeSH D003123.
Hereditary cancer-predisposing syndrome. Also called: Hereditary neoplastic syndrome; Neoplastic Syndromes, Hereditary; Hereditary Cancer Syndrome; Tumor predisposition. Identifiers: Orphanet 140162, MedGen C0027672, MeSH D009386, MONDO:0015356.

Submissions (2):

Ambry Genetics
Classification: Uncertain significance for Hereditary cancer-predisposing syndrome. Last evaluated: 2025-01-24. Review status: criteria provided, single submitter. Criteria: Ambry Variant Classification Scheme 2023. Collection method: clinical testing. Allele origin: germline.
Comment: The p.E271Q variant (also known as c.811G>C), located in coding exon 4 of the MSH6 gene, results from a G to C substitution at nucleotide position 811. The glutamic acid at codon 271 is replaced by glutamine, an amino acid with highly similar properties. This amino acid position is conserved. In addition, this alteration is predicted to be tolerated by in silico analysis. Based on the available evidence, the clinical significance of this variant remains unclear.

Labcorp Genetics (formerly Invitae), Labcorp
Classification: Uncertain significance for Hereditary nonpolyposis colorectal neoplasms. Last evaluated: 2023-10-04. Review status: criteria provided, single submitter. Criteria: Invitae Variant Classification Sherloc (09022015). Collection method: clinical testing. Allele origin: germline.
Comment: This sequence change replaces glutamic acid, which is acidic and polar, with glutamine, which is neutral and polar, at codon 271 of the MSH6 protein (p.Glu271Gln). This variant is not present in population databases (gnomAD no frequency). This variant has not been reported in the literature in individuals affected with MSH6-related conditions. Advanced modeling of protein sequence and biophysical properties (such as structural, functional, and spatial information, amino acid conservation, physicochemical variation, residue mobility, and thermodynamic stability) performed at Invitae indicates that this missense variant is not expected to disrupt MSH6 protein function. In summary, the available evidence is currently insufficient to determine the role of this variant in disease. Therefore, it has been classified as a Variant of Uncertain Significance.

NM_000179.3(MSH6):c.811G>C (p.Glu271Gln)

Gene: MSH6 (mutS homolog 6; plus strand). Cytogenetic location: 2p16.3.
Variant type: single nucleotide variant.
Coding change: c.811G>C on transcript NM_000179.3 (MANE Select); coding-DNA position 811, G replaced by C.
Protein change: p.Glu271Gln; replaces glutamic acid 271 with glutamine.
Molecular consequence: missense variant. On other transcripts: 5 prime UTR variant (9), non-coding transcript variant (4), intron variant (1).
Genome position (GRCh38, 1-based): chr2:47,798,794, G>C. VCF-style: chr2-47798794-G-C. GRCh37 (hg19) VCF-style: chr2-48025933-G-C.
Other names: c.421G>C, p.Glu141Gln (NM_001281492.2); c.-96G>C (NM_001281493.2, NM_001281494.2, NM_001406811.1 and 6 more transcripts); c.907G>C, p.Glu303Gln (NM_001406795.1, NM_001406802.1); c.811G>C, p.Glu271Gln (NM_001406796.1, NM_001406798.1, NM_001406800.1 and 4 more transcripts); c.514G>C, p.Glu172Gln (NM_001406797.1, NM_001406801.1, NM_001406805.1 and 10 more transcripts); c.286G>C, p.Glu96Gln (NM_001406799.1, NM_001406806.1, NM_001406807.1); c.733G>C, p.Glu245Gln (NM_001406804.1); c.817G>C, p.Glu273Gln (NM_001406813.1); and 2 more; short protein forms E245Q, E96Q, E271Q, E273Q, E303Q, E141Q, E172Q, E215Q.
Identifiers: ClinVar variation 2764954 (VCV002764954.4), dbSNP rs2104299033, ClinGen allele CA346740379.